The following is an entry in ClinVar:

NM_001130965.3(SUN1):c.1679G>A (p.Arg560Gln)

Gene: SUN1 (Sad1 and UNC84 domain containing 1; plus strand). Cytogenetic location: 7p22.3.
Variant type: single nucleotide variant.
Coding change: c.1679G>A on transcript NM_001130965.3 (MANE Select); coding-DNA position 1679, G replaced by A.
Protein change: p.Arg560Gln; replaces arginine 560 with glutamine.
Molecular consequence: missense variant. On other transcripts: non-coding transcript variant (3).
Genome position (GRCh38, 1-based): chr7:860,282, G>A. VCF-style: chr7-860282-G-A. GRCh37 (hg19) VCF-style: chr7-899919-G-A.
Other names: c.1787G>A, p.Arg596Gln (NM_001367638.1); c.1220G>A, p.Arg407Gln (NM_001367639.1); c.1859G>A, p.Arg620Gln (NM_001367640.1); c.1961G>A, p.Arg654Gln (NM_001367641.1, NM_001367682.1); c.1664G>A, p.Arg555Gln (NM_001367642.1); c.1871G>A, p.Arg624Gln (NM_001367643.1); c.1610G>A, p.Arg537Gln (NM_001367644.1); c.1727G>A, p.Arg576Gln (NM_001367645.1, NM_001367681.1); and 43 more; short protein forms R443Q, R510Q, R549Q, R555Q, R559Q, R560Q, R586Q, R588Q.
Identifiers: ClinVar variation 839820 (VCV000839820.9), dbSNP rs374707736, ClinGen allele CA152358006.

ClinVar aggregate classification (germline): Uncertain significance (1 of 4 stars; one submission).

Conditions:
Emery-Dreifuss muscular dystrophy (EDMD). Also called: Scapuloperoneal syndrome, X-linked (formerly); Humeroperoneal neuromuscular disease, (formerly). Identifiers: Orphanet 261, MedGen C0410189, MONDO:0016830.

Allele frequency attached by ClinVar (database versions not stated): gnomAD 0.00001; gnomAD exomes 0.00001 and 0.00004; TOPMed 0.00003; ESP Exome Variant Server 0.00016.
gnomAD v4.1: 13 of 1,614,102 alleles (0.00081%); highest among the groups gnomAD compares: Admixed American, 0.01%; no homozygotes.

Submission:

Labcorp Genetics (formerly Invitae), Labcorp
Classification: Uncertain significance for Emery-Dreifuss muscular dystrophy. Last evaluated: 2023-02-10. Review status: criteria provided, single submitter. Criteria: Invitae Variant Classification Sherloc (09022015). Collection method: clinical testing. Allele origin: germline.
Comment: This sequence change replaces arginine, which is basic and polar, with glutamine, which is neutral and polar, at codon 560 of the SUN1 protein (p.Arg560Gln). This variant is present in population databases (rs374707736, gnomAD 0.02%). This variant has not been reported in the literature in individuals affected with SUN1-related conditions. ClinVar contains an entry for this variant (Variation ID: 839820). Algorithms developed to predict the effect of missense changes on protein structure and function output the following: SIFT: "Tolerated"; PolyPhen-2: "Benign"; Align-GVGD: "Class C0". The glutamine amino acid residue is found in multiple mammalian species, which suggests that this missense change does not adversely affect protein function. In summary, the available evidence is currently insufficient to determine the role of this variant in disease. Therefore, it has been classified as a Variant of Uncertain Significance.